The following is an entry in ClinVar:

NM_001167.4(XIAP):c.1057-1G>T

Gene: XIAP (X-linked inhibitor of apoptosis; plus strand). Cytogenetic location: Xq25.
Variant type: single nucleotide variant.
Coding change: c.1057-1G>T on transcript NM_001167.4 (MANE Select); the canonical splice acceptor site of the intron before coding-DNA position 1057, G replaced by T.
Molecular consequence: splice acceptor variant.
Genome position (GRCh38, 1-based): chrX:123,892,730, G>T. VCF-style: chrX-123892730-G-T. GRCh37 (hg19) VCF-style: chrX-123026580-G-T.
Other names: c.1057-1G>T (NM_001378592.1, NM_001378591.1, NM_001204401.2 and 1 more transcripts).
Identifiers: ClinVar variation 3639314 (VCV003639314.3).
Genomic context (GRCh38, chrX:123,892,730, plus strand): 5'-AATGGAAATGATTGCCTCTACCAAAAATAATTCTAACTTACAGTTCCTATTTCTGTTACA[G>T]GTAAGAACTACTGAGAAAACACCATCACTAACTAGAAGAATTGGTAAATATGCTTGTTAA-3'

ClinVar aggregate classification (germline): Likely pathogenic (1 of 4 stars; one submission).

Conditions:
X-linked lymphoproliferative disease due to XIAP deficiency. Also called: XIAP-Related Lymphoproliferative Disease, X-Linked; XIAP DEFICIENCY. Identifiers: Orphanet 2442, Orphanet 538934, MedGen C1845076, MONDO:0010385, OMIM 300635.

Submissions (2):

Labcorp Genetics (formerly Invitae), Labcorp
Classification: Likely pathogenic for X-linked lymphoproliferative disease due to XIAP deficiency. Last evaluated: 2024-02-06. Review status: criteria provided, single submitter. Criteria: Invitae Variant Classification Sherloc (09022015). Collection method: clinical testing. Allele origin: germline.
Comment: This sequence change affects an acceptor splice site in intron 4 of the XIAP gene. It is expected to disrupt RNA splicing. Variants that disrupt the donor or acceptor splice site typically lead to a loss of protein function (PMID: 16199547), and loss-of-function variants in XIAP are known to be pathogenic (PMID: 17080092, 21119115, 25666262). This variant is not present in population databases (gnomAD no frequency). Disruption of this splice site has been observed in individual(s) with XIAP deficiency (PMID: 32540394). Algorithms developed to predict the effect of sequence changes on RNA splicing suggest that this variant may disrupt the consensus splice site. In summary, the currently available evidence indicates that the variant is pathogenic, but additional data are needed to prove that conclusively. Therefore, this variant has been classified as Likely Pathogenic.

Dr. Peter K. Rogan Lab, Western University
No classification provided (evidence only). Condition: Thyroid cancer, nonmedullary, 1. Review status: no classification provided. Collection method: in vitro. Allele origin: not applicable. Functional consequence: skipped exon, retained intron. Not counted in ClinVar's aggregate classification.

Literature cited by the submitters: PubMed 16199547 (cited by Labcorp Genetics (formerly Invitae), Labcorp); PubMed 17080092 (cited by Labcorp Genetics (formerly Invitae), Labcorp); PubMed 21119115 (cited by Labcorp Genetics (formerly Invitae), Labcorp); PubMed 25666262 (cited by Labcorp Genetics (formerly Invitae), Labcorp); PubMed 32540394 (cited by Labcorp Genetics (formerly Invitae), Labcorp).